The following is an entry in ClinVar:

NM_003005.4(SELP):c.775+1G>A

Gene: SELP (selectin P; minus strand). Cytogenetic location: 1q24.2.
Variant type: single nucleotide variant.
Coding change: c.775+1G>A on transcript NM_003005.4 (MANE Select); the canonical splice donor site of the intron after coding-DNA position 775, G replaced by A.
Molecular consequence: splice donor variant.
Genome position (GRCh38, 1-based): chr1:169,612,928, C>T on the plus strand (G>A on the coding strand, the complement: SELP is on the minus strand). VCF-style: chr1-169612928-C-T. GRCh37 (hg19) VCF-style: chr1-169582166-C-T.
Identifiers: ClinVar variation 180693 (VCV000180693.2), dbSNP rs730880284, ClinGen allele CA250307.

ClinVar aggregate classification (germline): Likely pathogenic (0 of 4 stars; one submission).

Conditions:
Premature coronary artery atherosclerosis. Identifiers: MedGen C1867743, HP:0005181.

Submission:

Strand Center for Genomics and Personalized Medicine, Strand Life Sciences Pvt Ltd
Classification: Likely pathogenic for Premature coronary artery disease. Last evaluated: 2013-11-22. Review status: no assertion criteria provided. Collection method: clinical testing. Allele origin: germline. Affected: yes. Observed: 2 variant alleles, 2 heterozygotes.
Comment: The change is predicted to cause a frameshift and premature truncation (p.Leu258fs*3) in the protein and may result in a soluble P-selectin variant protein. Soluble P-selectin variant proteins have been reported to enhance platelet aggregation on the endothelium, and has been reported in arterial diseases. In silico analysis tools predict the c.775+1G>A substitution to alter an essential splice donor site, to cause the use of a predicted alternate cryptic splice acceptor site, and to lead to the premature truncation of the protein three amino acids after the frameshift p.Leu258fs. Variants in SELP have been associated with an increased risk for coronary heart disease and myocardial infarction in patients with an age of disease onset of 45-50 years, and hence contributing to premature coronary artery disease (PMID: 15121769).